The following is an entry in ClinVar:

ClinVar aggregate classification (germline): Uncertain significance (1 of 4 stars; one submission).

Conditions:
Usher syndrome type 3B. Also called: USHER SYNDROME, TYPE IIIB. Identifiers: MedGen C3281066, MONDO:0013788, OMIM 614504.

Submission:

Labcorp Genetics (formerly Invitae), Labcorp
Classification: Uncertain significance for Usher syndrome type 3B. Last evaluated: 2025-06-27. Review status: criteria provided, single submitter. Criteria: Invitae Variant Classification Sherloc (09022015). Collection method: clinical testing. Allele origin: germline.
Comment: This sequence change replaces valine, which is neutral and non-polar, with methionine, which is neutral and non-polar, at codon 481 of the HARS protein (p.Val481Met). This variant is present in population databases (rs774864563, gnomAD 0.01%). This variant has not been reported in the literature in individuals affected with HARS-related conditions. Invitae Evidence Modeling of protein sequence and biophysical properties (such as structural, functional, and spatial information, amino acid conservation, physicochemical variation, residue mobility, and thermodynamic stability) indicates that this missense variant is not expected to disrupt HARS protein function with a negative predictive value of 80%. In summary, the available evidence is currently insufficient to determine the role of this variant in disease. Therefore, it has been classified as a Variant of Uncertain Significance.

NM_002109.6(HARS1):c.1441G>A (p.Val481Met)

Gene: HARS1 (histidyl-tRNA synthetase 1; minus strand). Cytogenetic location: 5q31.3.
Variant type: single nucleotide variant.
Coding change: c.1441G>A on transcript NM_002109.6 (MANE Select); coding-DNA position 1441, G replaced by A.
Protein change: p.Val481Met; replaces valine 481 with methionine.
Molecular consequence: missense variant.
Genome position (GRCh38, 1-based): chr5:140,674,696, C>T on the plus strand (G>A on the coding strand, the complement: HARS1 is on the minus strand). VCF-style: chr5-140674696-C-T. GRCh37 (hg19) VCF-style: chr5-140054281-C-T.
Other names: c.1321G>A, p.Val441Met (NM_001258040.3); c.1381G>A, p.Val461Met (NM_001258041.3); c.1261G>A, p.Val421Met (NM_001258042.3); c.1219G>A, p.Val407Met (NM_001289092.2); c.1099G>A, p.Val367Met (NM_001289093.2); c.1354G>A, p.Val452Met (NM_001289094.2); short protein forms V407M, V441M, V461M, V481M, V421M, V367M, V452M.
Identifiers: ClinVar variation 4741375 (VCV004741375.1).
Genomic context (GRCh38, chr5:140,674,696, plus strand): 5'-CATACATTCTCTGTCCCTTAGCCTTCCTGCCCACCTCCCTCACCTCTTCCCTGCTCGTCA[C>T]TGAACGGAGCTTGATGACCCCATCCTTGAGTTCCTGCTCGCCGATGATAGCCACCAGTGG-3'
Protein context (NP_002100.2, residues 471-491): LKDGVIKLRS[Val481Met]TSREEVDVRR